The following is an entry in ClinVar:

ClinVar aggregate classification (germline): Uncertain significance (1 of 4 stars; one submission).

Conditions:
Palmoplantar keratoderma, nonepidermolytic, focal or diffuse (PPKNEFD). Also called: PALMOPLANTAR KERATODERMA, FOCAL OR DIFFUSE. Identifiers: Orphanet 402003, MedGen C3810394, MONDO:0014327, OMIM 615735.

Submission:

Laboratorio de Genetica e Diagnostico Molecular, Hospital Israelita Albert Einstein
Classification: Uncertain significance for Palmoplantar keratoderma, nonepidermolytic, focal or diffuse. Last evaluated: 2024-09-12. Review status: criteria provided, single submitter. Criteria: ACMG Guidelines, 2015. Collection method: clinical testing. Allele origin: germline. Affected: yes.
Comment: ACMG classification criteria: PM2 supporting, BP4 supporting

NM_173086.5(KRT6C):c.356C>T (p.Ala119Val)

Gene: KRT6C (keratin 6C; minus strand). Cytogenetic location: 12q13.13.
Variant type: single nucleotide variant.
Coding change: c.356C>T on transcript NM_173086.5 (MANE Select); coding-DNA position 356, C replaced by T.
Protein change: p.Ala119Val; replaces alanine 119 with valine.
Molecular consequence: missense variant.
Genome position (GRCh38, 1-based): chr12:52,473,382, G>A on the plus strand (C>T on the coding strand, the complement: KRT6C is on the minus strand). VCF-style: chr12-52473382-G-A. GRCh37 (hg19) VCF-style: chr12-52867166-G-A.
Other names: short protein forms A119V.
Identifiers: ClinVar variation 4056571 (VCV004056571.1).